The following is an entry in ClinVar:

NM_001394062.1(MACF1):c.11099A>G (p.Gln3700Arg)

Gene: MACF1 (microtubule actin crosslinking factor 1; plus strand). Cytogenetic location: 1p34.3.
Variant type: single nucleotide variant.
Coding change: c.11099A>G on transcript NM_001394062.1 (MANE Select); coding-DNA position 11099, A replaced by G.
Protein change: p.Gln3700Arg; replaces glutamine 3700 with arginine.
Molecular consequence: missense variant.
Genome position (GRCh38, 1-based): chr1:39,350,918, A>G. VCF-style: chr1-39350918-A-G. GRCh37 (hg19) VCF-style: chr1-39816590-A-G.
Other names: c.4913A>G, p.Gln1638Arg (NM_012090.5); short protein forms Q1638R, Q3700R.
Identifiers: ClinVar variation 1709215 (VCV001709215.2), dbSNP rs907641215, ClinGen allele CA20920569.
Genomic context (GRCh38, chr1:39,350,918, plus strand): 5'-AAGAGAATCAGACCAAGCTGAGCCCACGTGAGTTGACAGCTCTTCGGGAAAAGCTTCATC[A>G]GGCTAAGGAGCAATATGAGGCGCTCCAGGAAGAGACACGTGTGGCCCAGAAGGAACTGGA-3'
Protein context (NP_001380991.1, residues 3690-3710): ELTALREKLH[Gln3700Arg]AKEQYEALQE

ClinVar aggregate classification (germline): Uncertain significance (1 of 4 stars; one submission).

Conditions:
Lissencephaly 9 with complex brainstem malformation. Identifiers: Orphanet 572013, MedGen C5193029, MONDO:0032677, OMIM 618325.

Allele frequency attached by ClinVar (database versions not stated): TOPMed 0.00001.

Submission:

MGZ Medical Genetics Center
Classification: Uncertain significance for Lissencephaly 9 with complex brainstem malformation. Last evaluated: 2022-03-08. Review status: criteria provided, single submitter. Criteria: ACMG Guidelines, 2015. Collection method: clinical testing. Allele origin: germline. Affected: yes. Observed: 1 variant allele.
Comment: ACMG criteria applied: PM2_SUP